The following is an entry in ClinVar:

ClinVar aggregate classification (germline): Benign/Likely benign. Review status: criteria provided, multiple submitters, no conflicts (2 of 4 stars). 3 submissions from 3 submitters: Benign (2); Likely benign (1). Last evaluated 2023-09-21.

Conditions:
Inborn genetic diseases. Identifiers: MedGen C0950123, MeSH D030342.
Pseudohypoaldosteronism type 2B (PHA2B). Also called: Pseudohypoaldosteronism Type IIB. Identifiers: Orphanet 757, Orphanet 88939, MedGen C1840390, MONDO:0013777, OMIM 614491.

Allele frequency attached by ClinVar (database versions not stated): gnomAD 0.00003 and 0.00004; ESP Exome Variant Server 0.00008; gnomAD exomes 0.00008 and 0.00012; TOPMed 0.00011; ExAC 0.00012; 1000 Genomes Project 30x 0.00016; 1000 Genomes Project 0.00020.
gnomAD v4.1: 183 of 1,613,404 alleles (0.011%); highest among the groups gnomAD compares: Middle Eastern, 0.016%; no homozygotes.

Submissions (3):

Ambry Genetics
Classification: Likely benign for Inborn genetic diseases. Last evaluated: 2023-09-21. Review status: criteria provided, single submitter. Criteria: Ambry Variant Classification Scheme 2023. Collection method: clinical testing. Allele origin: germline.

Illumina Laboratory Services, Illumina
Classification: Benign for Pseudohypoaldosteronism type 2B. Last evaluated: 2018-01-13. Review status: criteria provided, single submitter. Criteria: ICSL Variant Classification Criteria 13 December 2019. Collection method: clinical testing. Allele origin: germline.
Comment: This variant was observed in the ICSL laboratory as part of a predisposition screen in an ostensibly healthy population. It had not been previously curated by ICSL or reported in the Human Gene Mutation Database (HGMD: prior to June 1st, 2018), and was therefore a candidate for classification through an automated scoring system. Utilizing variant allele frequency, disease prevalence and penetrance estimates, and inheritance mode, an automated score was calculated to assess if this variant is too frequent to cause the disease. Based on the score and internal cut-off values, a variant classified as benign is not then subjected to further curation. The score for this variant resulted in a classification of benign for this disease.

Breakthrough Genomics
Classification: Benign. Review status: criteria provided, single submitter. Criteria: ACMG Guidelines, 2015. Collection method: not provided. Allele origin: germline. Inheritance: Autosomal dominant inheritance. Affected: yes.

NM_032387.5(WNK4):c.2348A>G (p.Asn783Ser)

Gene: WNK4 (WNK lysine deficient protein kinase 4; plus strand). Cytogenetic location: 17q21.2.
Variant type: single nucleotide variant.
Coding change: c.2348A>G on transcript NM_032387.5 (MANE Select); coding-DNA position 2348, A replaced by G.
Protein change: p.Asn783Ser; replaces asparagine 783 with serine.
Molecular consequence: missense variant.
Genome position (GRCh38, 1-based): chr17:42,794,666, A>G. VCF-style: chr17-42794666-A-G. GRCh37 (hg19) VCF-style: chr17-40946684-A-G.
Other names: c.1340A>G, p.Asn447Ser (NM_001321299.2); short protein forms N783S, N447S.
Identifiers: ClinVar variation 889388 (VCV000889388.6), dbSNP rs145613797, ClinGen allele CA8584354.